The following is an entry in ClinVar:

ClinVar aggregate classification (germline): Uncertain significance (1 of 4 stars; one submission).

Conditions:
Seizures, benign familial infantile, 3 (BFIS3). Also called: CONVULSIONS, BENIGN FAMILIAL INFANTILE, 3; Familial neonatal seizures. Identifiers: Orphanet 140927, Orphanet 306, MedGen C1843140, MONDO:0011904, OMIM 607745.
Developmental and epileptic encephalopathy, 11 (DEE11). Also called: Early infantile epileptic encephalopathy 11. Identifiers: Orphanet 1934, MedGen C3150987, MONDO:0013388, OMIM 613721.

gnomAD v4.1: 3 of 1,607,298 alleles (0.00019%); highest among the groups gnomAD compares: Admixed American, 0.0017%; no homozygotes.

Submission:

Labcorp Genetics (formerly Invitae), Labcorp
Classification: Uncertain significance for Seizures, benign familial infantile, 3; Developmental and epileptic encephalopathy, 11. Last evaluated: 2024-02-07. Review status: criteria provided, single submitter. Criteria: Invitae Variant Classification Sherloc (09022015). Collection method: clinical testing. Allele origin: germline.
Comment: This sequence change falls in intron 12 of the SCN2A gene. It does not directly change the encoded amino acid sequence of the SCN2A protein. It affects a nucleotide within the consensus splice site. This variant is present in population databases (rs748611550, gnomAD 0.003%). This variant has not been reported in the literature in individuals affected with SCN2A-related conditions. Variants that disrupt the consensus splice site are a relatively common cause of aberrant splicing (PMID: 17576681, 9536098). Algorithms developed to predict the effect of sequence changes on RNA splicing suggest that this variant is not likely to affect RNA splicing. In summary, the available evidence is currently insufficient to determine the role of this variant in disease. Therefore, it has been classified as a Variant of Uncertain Significance.

Literature cited by the submitters: PubMed 17576681; PubMed 9536098.

NM_001040142.2(SCN2A):c.2016+6G>A

Gene: SCN2A (sodium voltage-gated channel alpha subunit 2; plus strand). Cytogenetic location: 2q24.3.
Variant type: single nucleotide variant.
Coding change: c.2016+6G>A on transcript NM_001040142.2 (MANE Select); 6 bases into the intron after coding-DNA position 2016, G replaced by A.
Molecular consequence: intron variant.
Genome position (GRCh38, 1-based): chr2:165,323,506, G>A. VCF-style: chr2-165323506-G-A. GRCh37 (hg19) VCF-style: chr2-166180016-G-A.
Other names: c.2016+6G>A (NM_001040143.2, NM_001371246.1, NM_001371247.1 and 1 more transcripts).
Identifiers: ClinVar variation 3763640 (VCV003763640.2).